The following is an entry in ClinVar:

ClinVar aggregate classification (germline): Uncertain significance. Review status: criteria provided, multiple submitters, no conflicts (2 of 4 stars). 2 submissions from 2 submitters: Uncertain significance (2). Last evaluated 2026-03-22.

Conditions:
Kabuki syndrome 2 (KABUK2). Also called: KDM6A-Related Kabuki Syndrome. Identifiers: Orphanet 2322, MedGen C3275495, MONDO:0010465, OMIM 300867.

Submissions (2):

GeneDx
Classification: Uncertain significance. Last evaluated: 2026-03-22. Review status: criteria provided, single submitter. Criteria: GeneDx Variant Classification Process June 2021. Collection method: clinical testing. Allele origin: germline.
Comment: Not observed at significant frequency in large population cohorts (gnomAD); In silico analysis supports that this missense variant has a deleterious effect on protein structure/function; Has not been previously published as pathogenic or benign to our knowledge

Labcorp Genetics (formerly Invitae), Labcorp
Classification: Uncertain significance for Kabuki syndrome 2. Last evaluated: 2023-06-09. Review status: criteria provided, single submitter. Criteria: Invitae Variant Classification Sherloc (09022015). Collection method: clinical testing. Allele origin: germline.
Comment: In summary, the available evidence is currently insufficient to determine the role of this variant in disease. Therefore, it has been classified as a Variant of Uncertain Significance. Advanced modeling of protein sequence and biophysical properties (such as structural, functional, and spatial information, amino acid conservation, physicochemical variation, residue mobility, and thermodynamic stability) performed at Invitae indicates that this missense variant is not expected to disrupt KDM6A protein function. This variant has not been reported in the literature in individuals affected with KDM6A-related conditions. This variant is not present in population databases (gnomAD no frequency). This sequence change replaces asparagine, which is neutral and polar, with serine, which is neutral and polar, at codon 1185 of the KDM6A protein (p.Asn1185Ser).

NM_001291415.2(KDM6A):c.3710A>G (p.Asn1237Ser)

Gene: KDM6A (lysine demethylase 6A; plus strand). Cytogenetic location: Xp11.3.
Variant type: single nucleotide variant.
Coding change: c.3710A>G on transcript NM_001291415.2 (MANE Select); coding-DNA position 3710, A replaced by G.
Protein change: p.Asn1237Ser; replaces asparagine 1237 with serine.
Molecular consequence: missense variant. On other transcripts: non-coding transcript variant (1).
Genome position (GRCh38, 1-based): chrX:45,089,748, A>G. VCF-style: chrX-45089748-A-G. GRCh37 (hg19) VCF-style: chrX-44948993-A-G.
Other names: c.3419A>G, p.Asn1140Ser (NM_001291417.2); c.3317A>G, p.Asn1106Ser (NM_001291418.2, NM_001419815.1); c.2666A>G, p.Asn889Ser (NM_001291421.2); c.3452A>G, p.Asn1151Ser (NM_001410742.1, NM_001419814.1); c.3710A>G, p.Asn1237Ser (NM_001419809.1); c.3608A>G, p.Asn1203Ser (NM_001419810.1, NM_001419813.1); c.3575A>G, p.Asn1192Ser (NM_001419811.1, NM_001291416.2); c.3554A>G, p.Asn1185Ser (NM_001419812.1, NM_021140.4); and 1 more; short protein forms N1106S, N1151S, N1192S, N1237S, N889S, N1203S, N1140S, N1185S.
Identifiers: ClinVar variation 2703989 (VCV002703989.5), dbSNP rs2148191692, ClinGen allele CA412806395.